The following is an entry in ClinVar:

ClinVar aggregate classification (germline): Benign. Review status: criteria provided, multiple submitters, no conflicts (2 of 4 stars). 4 submissions from 4 submitters: Benign (3). 1 of the submissions does not count toward it. Last evaluated 2025-10-12.

Conditions:
PRSS56-related disorder. Also called: PRSS56-related condition.
Isolated microphthalmia 6. Also called: MICROPHTHALMIA, POSTERIOR NONSYNDROMIC. Identifiers: Orphanet 2542, MedGen C3150757, MONDO:0013293, OMIM 613517.

Allele frequency attached by ClinVar (database versions not stated): gnomAD 0.00227 and 0.00358; TOPMed 0.00420; gnomAD exomes 0.00772 and 0.00262; ExAC 0.00293; 1000 Genomes Project 30x 0.01655; 1000 Genomes Project 0.01797.
gnomAD v4.1: 4,192 of 1,532,842 alleles (0.27%); highest among the groups gnomAD compares: East Asian, 8.9%; 185 homozygotes.

Submissions (4):

Labcorp Genetics (formerly Invitae), Labcorp
Classification: Benign for Isolated microphthalmia 6. Last evaluated: 2025-10-12. Review status: criteria provided, single submitter. Criteria: Invitae Variant Classification Sherloc (09022015). Collection method: clinical testing. Allele origin: germline.

GeneDx
Classification: Benign. Last evaluated: 2018-07-14. Review status: criteria provided, single submitter. Criteria: GeneDx Variant Classification Process June 2021. Collection method: clinical testing. Allele origin: germline. Affected: yes.

Breakthrough Genomics
Classification: Benign. Review status: criteria provided, single submitter. Criteria: ACMG Guidelines, 2015. Collection method: not provided. Allele origin: germline. Inheritance: Autosomal recessive inheritance. Affected: yes.

PreventionGenetics, part of Exact Sciences
Classification: Benign for PRSS56-related condition. Last evaluated: 2019-09-10. Review status: no assertion criteria provided. Collection method: clinical testing. Allele origin: germline. Not counted in ClinVar's aggregate classification.
Comment: This variant is classified as benign based on ACMG/AMP sequence variant interpretation guidelines (Richards et al. 2015 PMID: 25741868, with internal and published modifications).

NM_001195129.2(PRSS56):c.205+10C>G

Gene: PRSS56 (serine protease 56; plus strand). Cytogenetic location: 2q37.1.
Variant type: single nucleotide variant.
Coding change: c.205+10C>G on transcript NM_001195129.2 (MANE Select); 10 bases into the intron after coding-DNA position 205, C replaced by G.
Molecular consequence: intron variant.
Genome position (GRCh38, 1-based): chr2:232,521,438, C>G. VCF-style: chr2-232521438-C-G. GRCh37 (hg19) VCF-style: chr2-233386148-C-G.
Other names: c.205+10C>G (NM_001369848.1).
Identifiers: ClinVar variation 707140 (VCV000707140.16), dbSNP rs77311538, ClinGen allele CA2167686.